The following is an entry in ClinVar:

ClinVar aggregate classification (germline): Uncertain significance (1 of 4 stars; one submission).

Conditions:
X-linked Emery-Dreifuss muscular dystrophy. Also called: Muscular dystrophy, tardive Emery-Dreifuss type, with contractures. Identifiers: Orphanet 261, Orphanet 98863, MedGen C0751337, MONDO:0010680.

Submission:

Labcorp Genetics (formerly Invitae), Labcorp
Classification: Uncertain significance for X-linked Emery-Dreifuss muscular dystrophy. Last evaluated: 2024-08-07. Review status: criteria provided, single submitter. Criteria: Invitae Variant Classification Sherloc (09022015). Collection method: clinical testing. Allele origin: germline.
Comment: This sequence change falls in intron 1 of the EMD gene. It does not directly change the encoded amino acid sequence of the EMD protein. It affects a nucleotide within the consensus splice site. This variant is not present in population databases (gnomAD no frequency). This variant has not been reported in the literature in individuals affected with EMD-related conditions. Variants that disrupt the consensus splice site are a relatively common cause of aberrant splicing (PMID: 17576681, 9536098). Algorithms developed to predict the effect of sequence changes on RNA splicing suggest that this variant is not likely to affect RNA splicing. In summary, the available evidence is currently insufficient to determine the role of this variant in disease. Therefore, it has been classified as a Variant of Uncertain Significance.

Literature cited by the submitters: PubMed 17576681; PubMed 9536098.

NM_000117.3(EMD):c.83-3C>T

Gene: EMD (emerin; plus strand). Cytogenetic location: Xq28.
Variant type: single nucleotide variant.
Coding change: c.83-3C>T on transcript NM_000117.3 (MANE Select); 3 bases into the intron before coding-DNA position 83, C replaced by T.
Molecular consequence: intron variant.
Genome position (GRCh38, 1-based): chrX:154,379,687, C>T. VCF-style: chrX-154379687-C-T. GRCh37 (hg19) VCF-style: chrX-153608047-C-T.
Identifiers: ClinVar variation 3719542 (VCV003719542.2).